The following is an entry in ClinVar:

NM_000531.6(OTC):c.799A>C (p.Ser267Arg)

Gene: OTC (ornithine transcarbamylase; plus strand). Cytogenetic location: Xp11.4.
Variant type: single nucleotide variant.
Coding change: c.799A>C on transcript NM_000531.6 (MANE Select); coding-DNA position 799, A replaced by C.
Protein change: p.Ser267Arg; replaces serine 267 with arginine.
Molecular consequence: missense variant.
Genome position (GRCh38, 1-based): chrX:38,408,957, A>C. VCF-style: chrX-38408957-A-C. GRCh37 (hg19) VCF-style: chrX-38268210-A-C.
Other names: short protein forms S267R.
Identifiers: ClinVar variation 97332 (VCV000097332.2), dbSNP rs72558448, ClinGen allele CA224798.
Genomic context (GRCh38, chrX:38,408,957, plus strand): 5'-ACAAATGATCCATTGGAAGCAGCGCATGGAGGCAATGTATTAATTACAGACACTTGGATA[A>C]GCATGGGACAAGAAGAGGAGAAGAAAAAGCGGCTCCAGGCTTTCCAAGGTTACCAGGTTA-3'
Protein context (NP_000522.3, residues 257-277): GNVLITDTWI[Ser267Arg]MGQEEEKKKR

ClinVar aggregate classification (germline): Pathogenic (0 of 4 stars; one submission).

Submission:

GenMed Metabolism Lab
Classification: Pathogenic. Review status: no assertion criteria provided. Collection method: not provided. Allele origin: unknown.
ClinVar note: Converted during submission from pathogenic to Pathogenic.